The following is an entry in ClinVar:

ClinVar aggregate classification (germline): Uncertain significance. Review status: criteria provided, multiple submitters, no conflicts (2 of 4 stars). 2 submissions from 2 submitters: Uncertain significance (2). Last evaluated 2024-12-17.

Conditions:
Spermatogenic failure 48. Identifiers: MedGen C5436823, MONDO:0030846, OMIM 619108.

gnomAD v4.1: 189 of 1,613,842 alleles (0.012%); highest among the groups gnomAD compares: African/African-American, 0.18%; no homozygotes.

Submissions (2):

Dasa
Classification: Uncertain significance. Last evaluated: 2024-12-17. Review status: criteria provided, single submitter. Criteria: DASA Assertion Criteria. Collection method: clinical testing. Allele origin: germline.
Comment: NM_001321739.2(M1AP):c.1408C>T (p.Arg470*) is a nonsense variant in M1AP predicted to introduce a premature termination codon. This variant is rare in population databases. The currently available literature and clinical evidence are not sufficient to establish a definitive association between this variant and the reported condition. Therefore, this variant is classified as a variant of uncertain significance.

Department of Pathology and Laboratory Medicine, Sinai Health System
Classification: Uncertain significance for Spermatogenic failure 48. Last evaluated: 2022-04-22. Review status: criteria provided, single submitter. Criteria: ACMG Guidelines, 2015. Collection method: research. Allele origin: germline.

NM_001321739.2(M1AP):c.1408C>T (p.Arg470Ter)

Gene: M1AP (meiosis 1 associated protein; minus strand). Cytogenetic location: 2p13.1.
Variant type: single nucleotide variant.
Coding change: c.1408C>T on transcript NM_001321739.2 (MANE Select); coding-DNA position 1408, C replaced by T.
Protein change: p.Arg470Ter; replaces arginine 470 with a stop codon.
Molecular consequence: nonsense.
Genome position (GRCh38, 1-based): chr2:74,560,165, G>A on the plus strand (C>T on the coding strand, the complement: M1AP is on the minus strand). VCF-style: chr2-74560165-G-A. GRCh37 (hg19) VCF-style: chr2-74787292-G-A.
Other names: c.1408C>T, p.Arg470Ter (NM_001281296.2, NM_138804.5); short protein forms R470*.
Identifiers: ClinVar variation 3891610 (VCV003891610.3).
Genomic context (GRCh38, chr2:74,560,165, plus strand): 5'-GGAGGGAGGGGAAGTAAGGAAGAGGAGGGAAGGAGGGGAGCGGTACCTTTCTCGGAGCTC[G>A]GCTCTCCCAGTGTGGGTGGAGCCGCCCCTGAGGCTTGGCATAGATGCTGCTCAGGTGTGA-3'